The following is an entry in ClinVar:

ClinVar aggregate classification (germline): Uncertain significance. Review status: criteria provided, multiple submitters, no conflicts (2 of 4 stars). 2 submissions from 2 submitters: Uncertain significance (2). Last evaluated 2024-03-04.

Conditions:
Classic or attenuated familial adenomatous polyposis. Identifiers: MedGen CN372698, MONDO:0021057.
Hereditary cancer-predisposing syndrome. Also called: Neoplastic Syndromes, Hereditary; Tumor predisposition; Hereditary neoplastic syndrome; Hereditary Cancer Syndrome. Identifiers: Orphanet 140162, MedGen C0027672, MeSH D009386, MONDO:0015356.

Submissions (2):

Color Diagnostics, LLC DBA Color Health
Classification: Uncertain significance for Hereditary cancer-predisposing syndrome. Last evaluated: 2024-03-04. Review status: criteria provided, single submitter. Criteria: ACMG Guidelines, 2015. Collection method: clinical testing. Allele origin: germline.
Comment: This missense variant replaces aspartic acid with asparagine at codon 1841 of the APC protein. Computational prediction suggests that this variant may not impact protein structure and function (internally defined REVEL score threshold <= 0.5, PMID: 27666373). To our knowledge, functional studies have not been reported for this variant. This variant has not been reported in individuals affected with APC-related disorders in the literature. This variant has not been identified in the general population by the Genome Aggregation Database (gnomAD). The available evidence is insufficient to determine the role of this variant in disease conclusively. Therefore, this variant is classified as a Variant of Uncertain Significance.

All of Us Research Program, National Institutes of Health
Classification: Uncertain significance for Classic or attenuated familial adenomatous polyposis. Last evaluated: 2024-01-05. Review status: criteria provided, single submitter. Criteria: ACMG Guidelines, 2015. Collection method: clinical testing. Allele origin: germline. Inheritance: Autosomal dominant inheritance. Observed: 1 variant allele, 1 heterozygote.
Comment: This study involves interpretation of variants in research participants for the purpose of population health screening. Participant phenotype was not available at the time of variant classification. Additional details can be found in publication PMID: 35346344, PMCID: PMC8962531

NM_000038.6(APC):c.5521G>A (p.Asp1841Asn)

Gene: APC (APC regulator of Wnt signaling pathway; plus strand). Cytogenetic location: 5q22.2.
Variant type: single nucleotide variant.
Coding change: c.5521G>A on transcript NM_000038.6 (MANE Select); coding-DNA position 5521, G replaced by A.
Protein change: p.Asp1841Asn; replaces aspartic acid 1841 with asparagine.
Molecular consequence: missense variant. On other transcripts: non-coding transcript variant (2).
Genome position (GRCh38, 1-based): chr5:112,841,115, G>A. VCF-style: chr5-112841115-G-A. GRCh37 (hg19) VCF-style: chr5-112176812-G-A.
Other names: c.5521G>A, p.Asp1841Asn (NM_001127510.3, NM_001354895.2, NM_001407450.1); c.5467G>A, p.Asp1823Asn (NM_001127511.3); c.5575G>A, p.Asp1859Asn (NM_001354896.2, NM_001407447.1, NM_001407448.1 and 1 more transcripts); c.5551G>A, p.Asp1851Asn (NM_001354897.2); c.5446G>A, p.Asp1816Asn (NM_001354898.2); c.5437G>A, p.Asp1813Asn (NM_001354899.2); c.5398G>A, p.Asp1800Asn (NM_001354900.2); c.5344G>A, p.Asp1782Asn (NM_001354901.2, NM_001407453.1); and 11 more; short protein forms D1457N, D1558N, D1681N, D1712N, D1715N, D1740N, D1750N, D1758N.
Identifiers: ClinVar variation 3074431 (VCV003074431.2), dbSNP rs76306073, ClinGen allele CA16033411.